The following is an entry in ClinVar:

ClinVar aggregate classification (germline): Uncertain significance (1 of 4 stars; one submission).

Conditions:
Hereditary cancer-predisposing syndrome. Also called: Neoplastic Syndromes, Hereditary; Tumor predisposition; Hereditary Cancer Syndrome; Hereditary neoplastic syndrome. Identifiers: Orphanet 140162, MedGen C0027672, MeSH D009386, MONDO:0015356.

Submission:

Ambry Genetics
Classification: Uncertain significance for Hereditary cancer-predisposing syndrome. Last evaluated: 2025-10-20. Review status: criteria provided, single submitter. Criteria: Ambry Variant Classification Scheme 2023. Collection method: clinical testing. Allele origin: germline.
Comment: The c.7060_7061delGCinsAG variant (also known as p.A2354S), located in coding exon 15 of the APC gene, results from an in-frame deletion of GC and insertion of AG at nucleotide positions 7060 to 7061. This results in the substitution of the alanine residue for a serine residue at codon 2354, an amino acid with similar properties. This amino acid position is well conserved in available vertebrate species; however, serine is the reference amino acid in other vertebrate species. In addition, in silico predictors for this gene do not accurately predict pathogenicity. Based on the available evidence, the clinical significance of this variant remains unclear.

NM_000038.6(APC):c.7060_7061delinsAG (p.Ala2354Ser)

Gene: APC (APC regulator of Wnt signaling pathway; plus strand). Cytogenetic location: 5q22.2.
Variant type: Indel.
Coding change: c.7060_7061delinsAG on transcript NM_000038.6 (MANE Select); coding-DNA positions 7060 to 7061, GC replaced by AG.
Protein change: p.Ala2354Ser; replaces alanine 2354 with serine.
Molecular consequence: missense variant. On other transcripts: non-coding transcript variant (2).
Genome position (GRCh38, 1-based): chr5:112,842,654-112,842,655, GC replaced by AG. VCF-style: chr5-112842654-GC-AG. GRCh37 (hg19) VCF-style: chr5-112178351-GC-AG.
Other names: c.7060_7061delinsAG, p.Ala2354Ser (NM_001127510.3, NM_001354895.2, NM_001407450.1); c.7006_7007delinsAG, p.Ala2336Ser (NM_001127511.3); c.7114_7115delinsAG, p.Ala2372Ser (NM_001354896.2, NM_001407447.1, NM_001407448.1 and 1 more transcripts); c.7090_7091delinsAG, p.Ala2364Ser (NM_001354897.2); c.6985_6986delinsAG, p.Ala2329Ser (NM_001354898.2); c.6976_6977delinsAG, p.Ala2326Ser (NM_001354899.2); c.6937_6938delinsAG, p.Ala2313Ser (NM_001354900.2); c.6883_6884delinsAG, p.Ala2295Ser (NM_001354901.2, NM_001407453.1); and 11 more; short protein forms A2071S, A2313S, A2329S, A2382S, A2228S, A2253S, A2326S, A2347S.
Identifiers: ClinVar variation 4582162 (VCV004582162.1).